The following is an entry in ClinVar:

NM_000038.6(APC):c.834+5754A>G

Gene: APC (APC regulator of WNT signaling pathway; plus strand). Cytogenetic location: 5q22.2.
Variant type: single nucleotide variant.
Coding change: c.834+5754A>G on transcript NM_000038.6 (MANE Select); 5754 bases into the intron after coding-DNA position 834, A replaced by G.
Molecular consequence: intron variant.
Genome position (GRCh38, 1-based): chr5:112,807,137, A>G. VCF-style: chr5-112807137-A-G. GRCh37 (hg19) VCF-style: chr5-112142834-A-G.
Other names: c.834+5754A>G (NM_001354895.2, NM_001127510.3, NM_001354896.2 and 1 more transcripts); c.864+5754A>G (NM_001354897.2, NM_001354902.2); c.780+5754A>G (NM_001127511.3); c.759+5754A>G (NM_001354898.2, NM_001354904.2); c.-201-2989A>G (NM_001354906.2); c.750+5754A>G (NM_001354899.2); c.657+5754A>G (NM_001354900.2, NM_001354901.2, NM_001354905.2).
Identifiers: ClinVar variation 83068 (VCV000083068.2), dbSNP rs78626122, ClinGen allele CA014931.
Genomic context (GRCh38, chr5:112,807,137, plus strand): 5'-GAGTTGAGATTGTACCACTGCACTCTAGCCTGGGTGACAGAGCAAGACTCTATCTCAAGG[A>G]AAAAAAAAAAAAAAACGTAAAACCAAAGTGCTGGAACTACAGGCGTGCACCACCATGCCC-3'

ClinVar aggregate classification (germline): other (0 of 4 stars; one submission).

Conditions:
Familial colorectal cancer. Identifiers: MedGen CN280943, MONDO:0023113. Disease mechanism: loss of function.

Allele frequency attached by ClinVar (database versions not stated): TOPMed 0.00001.
gnomAD v4.1: 1 of 113,314 alleles (0.00088%); highest among the groups gnomAD compares: East Asian, 0.028%; no homozygotes.

Submission:

Systems Biology Platform Zhejiang California International NanoSystems Institute
Classification: other for Familial colorectal cancer. Review status: no assertion criteria provided. Collection method: not provided. Allele origin: unknown.
ClinVar note: Converted during submission from cancer to other.